The following is an entry in ClinVar:

ClinVar aggregate classification (germline): Uncertain significance. Review status: criteria provided, multiple submitters, no conflicts (2 of 4 stars). 2 submissions from 2 submitters: Uncertain significance (2). Last evaluated 2023-12-16.

Conditions:
Inborn genetic diseases. Identifiers: MedGen C0950123, MeSH D030342.

Allele frequency attached by ClinVar (database versions not stated): gnomAD exomes below 0.00001; gnomAD 0.00001; TOPMed 0.00002.
gnomAD v4.1: 4 of 1,613,838 alleles (0.00025%); highest among the groups gnomAD compares: African/African-American, 0.0053%; no homozygotes.

Submissions (2):

Labcorp Genetics (formerly Invitae), Labcorp
Classification: Uncertain significance. Last evaluated: 2023-12-16. Review status: criteria provided, single submitter. Criteria: Invitae Variant Classification Sherloc (09022015). Collection method: clinical testing. Allele origin: germline.
Comment: This sequence change replaces tyrosine, which is neutral and polar, with histidine, which is basic and polar, at codon 2974 of the PCLO protein (p.Tyr2974His). This variant is present in population databases (no rsID available, gnomAD 0.02%). This variant has not been reported in the literature in individuals affected with PCLO-related conditions. ClinVar contains an entry for this variant (Variation ID: 2014574). Experimental studies and prediction algorithms are not available or were not evaluated, and the functional significance of this variant is currently unknown. In summary, the available evidence is currently insufficient to determine the role of this variant in disease. Therefore, it has been classified as a Variant of Uncertain Significance.

Ambry Genetics
Classification: Uncertain significance for Inborn genetic diseases. Last evaluated: 2023-09-26. Review status: criteria provided, single submitter. Criteria: Ambry Variant Classification Scheme 2023. Collection method: clinical testing. Allele origin: germline.

NM_033026.6(PCLO):c.8920T>C (p.Tyr2974His)

Gene: PCLO (piccolo presynaptic cytomatrix protein; minus strand). Cytogenetic location: 7q21.11.
Variant type: single nucleotide variant.
Coding change: c.8920T>C on transcript NM_033026.6 (MANE Select); coding-DNA position 8920, T replaced by C.
Protein change: p.Tyr2974His; replaces tyrosine 2974 with histidine.
Molecular consequence: missense variant.
Genome position (GRCh38, 1-based): chr7:82,952,033, A>G on the plus strand (T>C on the coding strand, the complement: PCLO is on the minus strand). VCF-style: chr7-82952033-A-G. GRCh37 (hg19) VCF-style: chr7-82581349-A-G.
Other names: c.8920T>C, p.Tyr2974His (NM_014510.3); c.8920T>C (NM_033026.5); short protein forms Y2974H.
Identifiers: ClinVar variation 2014574 (VCV002014574.3), dbSNP rs933403209, ClinGen allele CA161144752.